The following is an entry in ClinVar:

ClinVar aggregate classification (germline): Uncertain significance (1 of 4 stars; one submission).

Conditions:
DICER1-related tumor predisposition. Also called: DICER1-related pleuropulmonary blastoma cancer predisposition syndrome; DICER1 syndrome. Identifiers: Orphanet 284343, MedGen C3839822, MONDO:0100216.

Submission:

Labcorp Genetics (formerly Invitae), Labcorp
Classification: Uncertain significance for DICER1-related tumor predisposition. Last evaluated: 2023-02-03. Review status: criteria provided, single submitter. Criteria: Invitae Variant Classification Sherloc (09022015). Collection method: clinical testing. Allele origin: germline.
Comment: This variant is not present in population databases (gnomAD no frequency). This sequence change replaces lysine, which is basic and polar, with arginine, which is basic and polar, at codon 507 of the DICER1 protein (p.Lys507Arg). In summary, the available evidence is currently insufficient to determine the role of this variant in disease. Therefore, it has been classified as a Variant of Uncertain Significance. Advanced modeling of protein sequence and biophysical properties (such as structural, functional, and spatial information, amino acid conservation, physicochemical variation, residue mobility, and thermodynamic stability) performed at Invitae indicates that this missense variant is not expected to disrupt DICER1 protein function. This variant has not been reported in the literature in individuals affected with DICER1-related conditions.

NM_177438.3(DICER1):c.1520A>G (p.Lys507Arg)

Gene: DICER1 (dicer 1, ribonuclease III; minus strand). Cytogenetic location: 14q32.13.
Variant type: single nucleotide variant.
Coding change: c.1520A>G on transcript NM_177438.3 (MANE Select); coding-DNA position 1520, A replaced by G.
Protein change: p.Lys507Arg; replaces lysine 507 with arginine.
Molecular consequence: missense variant. On other transcripts: intron variant (1), non-coding transcript variant (6).
Genome position (GRCh38, 1-based): chr14:95,116,685, T>C on the plus strand (A>G on the coding strand, the complement: DICER1 is on the minus strand). VCF-style: chr14-95116685-T-C. GRCh37 (hg19) VCF-style: chr14-95583022-T-C.
Other names: c.1520A>G, p.Lys507Arg (NM_001195573.1, NM_001271282.3, NM_001291628.2 and 13 more transcripts); c.1238A>G, p.Lys413Arg (NM_001395686.1); c.1115A>G, p.Lys372Arg (NM_001395687.1, NM_001395688.1, NM_001395689.1 and 3 more transcripts); c.953A>G, p.Lys318Arg (NM_001395691.1); c.-59-105A>G (NM_001395697.1); short protein forms K413R, K372R, K318R, K507R.
Identifiers: ClinVar variation 2833374 (VCV002833374.3), dbSNP rs2140126892, ClinGen allele CA390885222.
Genomic context (GRCh38, chr14:95,116,685, plus strand): 5'-TCAACACCCTCTTCTACAATACTTGTTGCAATAAGCAGGTTGGTCTCATGTGCTCGAAAT[T>C]TCCTAAGTACCTGAAAAAAAAAATCCACCAAGAAAAGCACTTCTAAGAAAATTTCTAAAA-3'
Protein context (NP_803187.1, residues 497-517): EFRKQEEVLR[Lys507Arg]FRAHETNLLI